The following is an entry in ClinVar:

ClinVar aggregate classification (germline): Uncertain significance. Review status: criteria provided, multiple submitters, no conflicts (2 of 4 stars). 2 submissions from 2 submitters: Uncertain significance (2). Last evaluated 2023-01-15.

Conditions:
Hereditary cancer-predisposing syndrome. Also called: Hereditary Cancer Syndrome; Hereditary neoplastic syndrome; Neoplastic Syndromes, Hereditary; Tumor predisposition. Identifiers: Orphanet 140162, MedGen C0027672, MeSH D009386, MONDO:0015356.

Submissions (2):

Labcorp Genetics (formerly Invitae), Labcorp
Classification: Uncertain significance. Last evaluated: 2023-01-15. Review status: criteria provided, single submitter. Criteria: Invitae Variant Classification Sherloc (09022015). Collection method: clinical testing. Allele origin: germline.
Comment: This sequence change replaces lysine, which is basic and polar, with asparagine, which is neutral and polar, at codon 155 of the CTNNA1 protein (p.Lys155Asn). This variant is not present in population databases (gnomAD no frequency). This variant has not been reported in the literature in individuals affected with CTNNA1-related conditions. ClinVar contains an entry for this variant (Variation ID: 1742224). Advanced modeling of protein sequence and biophysical properties (such as structural, functional, and spatial information, amino acid conservation, physicochemical variation, residue mobility, and thermodynamic stability) performed at Invitae indicates that this missense variant is not expected to disrupt CTNNA1 protein function. In summary, the available evidence is currently insufficient to determine the role of this variant in disease. Therefore, it has been classified as a Variant of Uncertain Significance.

Ambry Genetics
Classification: Uncertain significance for Hereditary cancer-predisposing syndrome. Last evaluated: 2022-10-20. Review status: criteria provided, single submitter. Criteria: Ambry Variant Classification Scheme 2023. Collection method: clinical testing. Allele origin: germline.
Comment: The p.K155N variant (also known as c.465A>C), located in coding exon 3 of the CTNNA1 gene, results from an A to C substitution at nucleotide position 465. The lysine at codon 155 is replaced by asparagine, an amino acid with similar properties. This amino acid position is conserved. In addition, this alteration is predicted to be tolerated by in silico analysis. Since supporting evidence is limited at this time, the clinical significance of this alteration remains unclear.

NM_001903.5(CTNNA1):c.465A>C (p.Lys155Asn)

Gene: CTNNA1 (catenin alpha 1; plus strand). Cytogenetic location: 5q31.2.
Variant type: single nucleotide variant.
Coding change: c.465A>C on transcript NM_001903.5 (MANE Select); coding-DNA position 465, A replaced by C.
Protein change: p.Lys155Asn; replaces lysine 155 with asparagine.
Molecular consequence: missense variant.
Genome position (GRCh38, 1-based): chr5:138,810,201, A>C. VCF-style: chr5-138810201-A-C. GRCh37 (hg19) VCF-style: chr5-138145890-A-C.
Other names: c.465A>C, p.Lys155Asn (NM_001290307.3, NM_001323982.2, NM_001323983.1 and 3 more transcripts); c.156A>C, p.Lys52Asn (NM_001290309.3); c.96A>C, p.Lys32Asn (NM_001290310.3); short protein forms K155N, K52N, K32N.
Identifiers: ClinVar variation 1742224 (VCV001742224.5), dbSNP rs2532331414, ClinGen allele CA361123791.
Genomic context (GRCh38, chr5:138,810,201, plus strand): 5'-TACCCGGTTGCTGATTTTGGCTGACATGGCAGATGTCTACAAATTACTTGTTCAGCTGAA[A>C]GTTGTAAGTATACAGGCCTATGTCTGTAATTTGTTCTATCACAGGAAGATTGCTACTGGC-3'
Protein context (NP_001894.2, residues 145-165): ADVYKLLVQL[Lys155Asn]VVEDGILKLR